The following is an entry in ClinVar:

ClinVar aggregate classification (germline): Uncertain significance (1 of 4 stars; one submission).

Conditions:
Congenital disorder of deglycosylation (CDDG). Identifiers: MedGen C3808991, MONDO:0031376.

Submission:

Labcorp Genetics (formerly Invitae), Labcorp
Classification: Uncertain significance for Congenital disorder of deglycosylation. Last evaluated: 2021-09-01. Review status: criteria provided, single submitter. Criteria: Invitae Variant Classification Sherloc (09022015). Collection method: clinical testing. Allele origin: germline.
Comment: This sequence change replaces serine with cysteine at codon 9 of the NGLY1 protein (p.Ser9Cys). The serine residue is weakly conserved and there is a moderate physicochemical difference between serine and cysteine. This variant is not present in population databases (ExAC no frequency). This variant has not been reported in the literature in individuals affected with NGLY1-related conditions. Algorithms developed to predict the effect of missense changes on protein structure and function are either unavailable or do not agree on the potential impact of this missense change (SIFT: "Deleterious"; PolyPhen-2: "Not Available"; Align-GVGD: "Class C0"). In summary, the available evidence is currently insufficient to determine the role of this variant in disease. Therefore, it has been classified as a Variant of Uncertain Significance.

NM_018297.4(NGLY1):c.26C>G (p.Ser9Cys)

Gene: NGLY1 (N-glycanase 1; minus strand). Cytogenetic location: 3p24.2.
Variant type: single nucleotide variant.
Coding change: c.26C>G on transcript NM_018297.4 (MANE Select); coding-DNA position 26, C replaced by G.
Protein change: p.Ser9Cys; replaces serine 9 with cysteine.
Molecular consequence: missense variant. On other transcripts: intron variant (1).
Genome position (GRCh38, 1-based): chr3:25,783,365, G>C on the plus strand (C>G on the coding strand, the complement: NGLY1 is on the minus strand). VCF-style: chr3-25783365-G-C. GRCh37 (hg19) VCF-style: chr3-25824856-G-C.
Other names: c.26C>G, p.Ser9Cys (NM_001145293.2, NM_001145295.2); c.6-4677C>G (NM_001145294.2); short protein forms S9C.
Identifiers: ClinVar variation 845346 (VCV000845346.4), dbSNP rs1708511856, ClinGen allele CA351911388.